The following is an entry in ClinVar:

ClinVar aggregate classification (germline): Likely benign (1 of 4 stars; one submission).

Allele frequency attached by ClinVar (database versions not stated): ExAC 0.00005; 1000 Genomes Project 30x 0.00016; 1000 Genomes Project 0.00040.

Submission:

CeGaT Center for Human Genetics Tuebingen
Classification: Likely benign. Last evaluated: 2024-05-01. Review status: criteria provided, single submitter. Criteria: CeGaT Center For Human Genetics Tuebingen Variant Classification Criteria Version 2. Collection method: clinical testing. Allele origin: germline. Affected: yes. Observed: 1 variant allele.
Comment: FLG: BP4, BP7

NM_002016.2(FLG):c.9141C>T (p.Ser3047=)

Genes: CCDST (cervical cancer associated DHX9 suppressive transcript; plus strand), FLG (filaggrin; minus strand). Cytogenetic location: 1q21.3.
Variant type: single nucleotide variant.
Coding change: c.9141C>T on transcript NM_002016.2 (MANE Select); coding-DNA position 9141, C replaced by T.
Protein change: p.Ser3047=; no amino-acid change (serine 3047 retained).
Molecular consequence: synonymous variant.
Genome position (GRCh38, 1-based): chr1:152,305,745, G>A on the plus strand (C>T on the coding strand, the complement: FLG is on the minus strand). VCF-style: chr1-152305745-G-A. GRCh37 (hg19) VCF-style: chr1-152278221-G-A.
Identifiers: ClinVar variation 3239174 (VCV003239174.19), dbSNP rs562596302.
Genomic context (GRCh38, chr1:152,305,745, plus strand): 5'-GCTCACCTGGTAGAGGAAAGATCCTGAATGTCCAGACGTTTCCCCTGACCGGCCACGTGC[G>A]GACTCTTGGTGGCTCTGCTGATGGGACCCAGCCTGTCCGTGGGCTGACACTGACTGTGTG-3'
Protein context (NP_002007.1, residues 3037-3057): AGSHQQSHQE[Ser3047=]ARGRSGETSG